The following is an entry in ClinVar:

ClinVar aggregate classification (germline): Likely benign. Review status: criteria provided, single submitter (1 of 4 stars). 2 submissions from 2 submitters: Likely benign (1). 1 of the submissions does not count toward it. Last evaluated 2025-10-02.

Conditions:
MTHFD1-related disorder. Also called: MTHFD1-related condition.

Allele frequency attached by ClinVar (database versions not stated): gnomAD exomes 0.00001; gnomAD 0.00001; ExAC 0.00002; TOPMed below 0.00001.
gnomAD v4.1: 13 of 1,613,886 alleles (0.00081%); highest among the groups gnomAD compares: South Asian, 0.013%; no homozygotes.

Submissions (2):

Labcorp Genetics (formerly Invitae), Labcorp
Classification: Likely benign. Last evaluated: 2025-10-02. Review status: criteria provided, single submitter. Criteria: Invitae Variant Classification Sherloc (09022015). Collection method: clinical testing. Allele origin: germline.

PreventionGenetics, part of Exact Sciences
Classification: Likely benign for MTHFD1-related condition. Last evaluated: 2019-04-04. Review status: no assertion criteria provided. Collection method: clinical testing. Allele origin: germline. Not counted in ClinVar's aggregate classification.
Comment: This variant is classified as likely benign based on ACMG/AMP sequence variant interpretation guidelines (Richards et al. 2015 PMID: 25741868, with internal and published modifications).

NM_005956.4(MTHFD1):c.456C>T (p.Cys152=)

Gene: MTHFD1 (methylenetetrahydrofolate dehydrogenase, cyclohydrolase and formyltetrahydrofolate synthetase 1; plus strand). Cytogenetic location: 14q23.3.
Variant type: single nucleotide variant.
Coding change: c.456C>T on transcript NM_005956.4 (MANE Select); coding-DNA position 456, C replaced by T.
Protein change: p.Cys152=; no amino-acid change (cysteine 152 retained).
Molecular consequence: synonymous variant.
Genome position (GRCh38, 1-based): chr14:64,415,717, C>T. VCF-style: chr14-64415717-C-T. GRCh37 (hg19) VCF-style: chr14-64882435-C-T.
Other names: c.456C>T (NM_005956.3); c.456C>T, p.Cys152= (NM_001364837.1).
Identifiers: ClinVar variation 1567052 (VCV001567052.10), dbSNP rs769040296, ClinGen allele CA7225935.